The following is an entry in ClinVar:

ClinVar aggregate classification (germline): Uncertain significance (1 of 4 stars; one submission).

gnomAD v4.1: 37 of 1,613,192 alleles (0.0023%); highest among the groups gnomAD compares: African/African-American, 0.008%; no homozygotes.

Submission:

Mayo Clinic Laboratories, Mayo Clinic
Classification: Uncertain significance. Last evaluated: 2025-09-30. Review status: criteria provided, single submitter. Criteria: ACMG Guidelines, 2015. Collection method: clinical testing. Allele origin: germline. Observed: 1 variant allele.
Comment: PP2

NM_001385012.1(NBEA):c.7538G>A (p.Arg2513His)

Gene: NBEA (neurobeachin; plus strand). Cytogenetic location: 13q13.3.
Variant type: single nucleotide variant.
Coding change: c.7538G>A on transcript NM_001385012.1 (MANE Select); coding-DNA position 7538, G replaced by A.
Protein change: p.Arg2513His; replaces arginine 2513 with histidine.
Molecular consequence: missense variant.
Genome position (GRCh38, 1-based): chr13:35,628,169, G>A. VCF-style: chr13-35628169-G-A. GRCh37 (hg19) VCF-style: chr13-36202306-G-A.
Other names: p.Arg2513His; c.917G>A, p.Arg306His (NM_001204197.3); c.7529G>A, p.Arg2510His (NM_001379245.1); c.7538G>A, p.Arg2513His (NM_015678.5); short protein forms R306H, R2510H, R2513H.
Identifiers: ClinVar variation 4541776 (VCV004541776.1).